The following is an entry in ClinVar:

ClinVar aggregate classification (germline): Uncertain significance (1 of 4 stars; one submission).

Conditions:
HTR2C-related disorder. Also called: HTR2C-related condition.

gnomAD v4.1: 24 of 1,209,387 alleles (0.002%); highest among the groups gnomAD compares: Non-Finnish European, 0.0023%; no homozygotes.

Submission:

PreventionGenetics, part of Exact Sciences
Classification: Uncertain significance for HTR2C-related condition. Last evaluated: 2025-01-01. Review status: criteria provided, single submitter. Criteria: ACMG Guidelines, 2015. Collection method: clinical testing. Allele origin: germline.
Comment: The HTR2C c.1202T>C variant is predicted to result in the amino acid substitution p.Val401Ala. To our knowledge, this variant has not been reported in the literature. This variant is reported in 0.0049% of alleles in individuals of European (Non-Finnish) descent in gnomAD. At this time, the clinical significance of this variant is uncertain due to the absence of conclusive functional and genetic evidence.

NM_000868.4(HTR2C):c.1202T>C (p.Val401Ala)

Genes: HTR2C (5-hydroxytryptamine receptor 2C; plus strand), LOC126863306 (MED14-independent group 3 enhancer GRCh37_chrX:114140926-114142125; plus strand). Cytogenetic location: Xq23.
Variant type: single nucleotide variant.
Coding change: c.1202T>C on transcript NM_000868.4 (MANE Select); coding-DNA position 1202, T replaced by C.
Protein change: p.Val401Ala; replaces valine 401 with alanine.
Molecular consequence: missense variant. On other transcripts: 3 prime UTR variant (1).
Genome position (GRCh38, 1-based): chrX:114,907,240, T>C. VCF-style: chrX-114907240-T-C. GRCh37 (hg19) VCF-style: chrX-114141803-T-C.
Other names: c.1202T>C, p.Val401Ala (NM_001256760.3); c.*360T>C (NM_001256761.3); short protein forms V401A.
Identifiers: ClinVar variation 4988527 (VCV004988527.1).